The following is an entry in ClinVar:

ClinVar aggregate classification (germline): Pathogenic/Likely pathogenic. Review status: criteria provided, multiple submitters, no conflicts (2 of 4 stars). 2 submissions from 2 submitters: Pathogenic (1); Likely pathogenic (1). Last evaluated 2026-01-22.

Conditions:
ERCC4-related xeroderma pigmentosum, group F.
Xeroderma pigmentosum, group F (XPF). Also called: ERCC4-Related Xeroderma Pigmentosum; XERODERMA PIGMENTOSUM, TYPE F; Xeroderma pigmentosum, type 6; XERODERMA PIGMENTOSUM, COMPLEMENTATION GROUP F; XERODERMA PIGMENTOSUM VI; XP, GROUP F. Identifiers: MedGen C0268140, MONDO:0010215, OMIM 278760.
Cockayne syndrome. Identifiers: Orphanet 191, MedGen C0009207, MONDO:0016006.
Fanconi anemia complementation group Q. Identifiers: Orphanet 84, MedGen C3808988, MONDO:0014108, OMIM 615272.

Allele frequency attached by ClinVar (database versions not stated): TOPMed below 0.00001; ExAC 0.00001.
gnomAD v4.1: 4 of 1,611,110 alleles (0.00025%); highest among the groups gnomAD compares: Admixed American, 0.0033%; no homozygotes.

Submissions (2):

Labcorp Genetics (formerly Invitae), Labcorp
Classification: Pathogenic for Fanconi anemia complementation group Q; Xeroderma pigmentosum, group F; Cockayne syndrome. Last evaluated: 2026-01-22. Review status: criteria provided, single submitter. Criteria: Invitae Variant Classification Sherloc (09022015). Collection method: clinical testing. Allele origin: germline.
Comment: This sequence change creates a premature translational stop signal (p.Gln296*) in the ERCC4 gene. It is expected to result in an absent or disrupted protein product. Loss-of-function variants in ERCC4 are known to be pathogenic (PMID: 9580660). This variant is present in population databases (rs753149023, gnomAD 0.003%). This premature translational stop signal has been observed in individual(s) with ERCC4-related conditions (PMID: 36139606). ClinVar contains an entry for this variant (Variation ID: 2931654). For these reasons, this variant has been classified as Pathogenic.

Dasa
Classification: Likely pathogenic for ERCC4-related xeroderma pigmentosum, group F. Last evaluated: 2025-07-19. Review status: criteria provided, single submitter. Criteria: DASA Assertion Criteria. Collection method: clinical testing. Allele origin: germline.
Comment: NM_005236.3(ERCC4):c.886C>T (p.Gln296*) is a nonsense variant in ERCC4 predicted to introduce a premature termination codon and is predicted to result in an absent or altered protein product. Loss of function is an established disease mechanism for ERCC4-associated disorders. Published studies describe this variant in association with related phenotype (PMID: 36139606; PMID: 9580660). Also, this variant is rare in population databases. Based on the currently available evidence, this variant is classified as likely pathogenic.

Literature cited by the submitters: PubMed 9580660 (cited by Labcorp Genetics (formerly Invitae), Labcorp and Dasa); PubMed 36139606 (cited by Labcorp Genetics (formerly Invitae), Labcorp and Dasa).

NM_005236.3(ERCC4):c.886C>T (p.Gln296Ter)

Gene: ERCC4 (ERCC excision repair 4, endonuclease catalytic subunit; plus strand). Cytogenetic location: 16p13.12.
Variant type: single nucleotide variant.
Coding change: c.886C>T on transcript NM_005236.3 (MANE Select); coding-DNA position 886, C replaced by T.
Protein change: p.Gln296Ter; replaces glutamine 296 with a stop codon.
Molecular consequence: nonsense.
Genome position (GRCh38, 1-based): chr16:13,930,803, C>T. VCF-style: chr16-13930803-C-T. GRCh37 (hg19) VCF-style: chr16-14024660-C-T.
Other names: short protein forms Q296*.
Identifiers: ClinVar variation 2931654 (VCV002931654.5), dbSNP rs753149023, ClinGen allele CA7910296.
Genomic context (GRCh38, chr16:13,930,803, plus strand): 5'-CAGCTTGGAGCCAAGACTAAATCCTTAGTTCAGGATTTGAAGATATTACGAACTTTGCTG[C>T]AGTATCTCTCTCAGTATGATTGTGTCACATTTCTTAATCTTCTGGAATCTCTGAGAGCAA-3'